The following is an entry in ClinVar:

ClinVar aggregate classification (germline): Uncertain significance (1 of 4 stars; one submission).

Submission:

GeneDx
Classification: Uncertain significance. Last evaluated: 2025-03-16. Review status: criteria provided, single submitter. Criteria: GeneDx Variant Classification Process June 2021. Collection method: clinical testing. Allele origin: germline. Affected: yes.
Comment: Not observed at significant frequency in large population cohorts (gnomAD); In silico analysis indicates that this missense variant does not alter protein structure/function; Has not been previously published as pathogenic or benign to our knowledge

NM_001174096.2(ZEB1):c.1031T>G (p.Val344Gly)

Gene: ZEB1 (zinc finger E-box binding homeobox 1; plus strand). Cytogenetic location: 10p11.22.
Variant type: single nucleotide variant.
Coding change: c.1031T>G on transcript NM_001174096.2 (MANE Select); coding-DNA position 1031, T replaced by G.
Protein change: p.Val344Gly; replaces valine 344 with glycine.
Molecular consequence: missense variant.
Genome position (GRCh38, 1-based): chr10:31,520,363, T>G. VCF-style: chr10-31520363-T-G. GRCh37 (hg19) VCF-style: chr10-31809291-T-G.
Other names: c.374T>G, p.Val125Gly (NM_001323655.2, NM_001323656.2, NM_001323657.2 and 27 more transcripts); c.980T>G, p.Val327Gly (NM_001128128.3); c.968T>G, p.Val323Gly (NM_001174093.2); c.977T>G, p.Val326Gly (NM_001174094.2); c.827T>G, p.Val276Gly (NM_001174095.2); c.806T>G, p.Val269Gly (NM_001323674.2); c.764T>G, p.Val255Gly (NM_001323675.2); c.989T>G, p.Val330Gly (NM_001323676.2); and 3 more; short protein forms V125G, V252G, V255G, V269G, V276G, V323G, V326G, V327G.
Identifiers: ClinVar variation 4086514 (VCV004086514.1).